The following is an entry in ClinVar:

NM_207391.3(RGS9BP):c.557T>G (p.Leu186Arg)

Gene: RGS9BP (regulator of G protein signaling 9 binding protein; plus strand). Cytogenetic location: 19q13.11.
Variant type: single nucleotide variant.
Coding change: c.557T>G on transcript NM_207391.3 (MANE Select); coding-DNA position 557, T replaced by G.
Protein change: p.Leu186Arg; replaces leucine 186 with arginine.
Molecular consequence: missense variant.
Genome position (GRCh38, 1-based): chr19:32,676,820, T>G. VCF-style: chr19-32676820-T-G. GRCh37 (hg19) VCF-style: chr19-33167726-T-G.
Other names: c.557T>G (NM_207391.2); short protein forms L186R.
Identifiers: ClinVar variation 1475414 (VCV001475414.8), dbSNP rs765931342, ClinGen allele CA9357551.
Genomic context (GRCh38, chr19:32,676,820, plus strand): 5'-TGAAGGTCAACGTGCCCCGCTGGACCGTGCAAGCCCGGCAGGCGGCGGGCGCCGAGCTCC[T>G]GTCCACGGTCAGCGCCGGCCCCTCCTCGGTCGTGTCCTTGCAGGAGCGCGGGGGGGGTTG-3'
Protein context (NP_997274.2, residues 176-196): QARQAAGAEL[Leu186Arg]STVSAGPSSV

ClinVar aggregate classification (germline): Uncertain significance. Review status: criteria provided, multiple submitters, no conflicts (2 of 4 stars). 2 submissions from 2 submitters: Uncertain significance (2). Last evaluated 2025-10-14.

Allele frequency attached by ClinVar (database versions not stated): gnomAD 0.00003; TOPMed 0.00003; ExAC 0.00006.
gnomAD v4.1: 72 of 1,585,498 alleles (0.0045%); highest among the groups gnomAD compares: Non-Finnish European, 0.0061%; no homozygotes.

Submissions (2):

Ambry Genetics
Classification: Uncertain significance. Last evaluated: 2025-10-14. Review status: criteria provided, single submitter. Criteria: Ambry Variant Classification Scheme 2023. Collection method: clinical testing. Allele origin: germline.

Labcorp Genetics (formerly Invitae), Labcorp
Classification: Uncertain significance. Last evaluated: 2024-06-05. Review status: criteria provided, single submitter. Criteria: Invitae Variant Classification Sherloc (09022015). Collection method: clinical testing. Allele origin: germline.
Comment: This sequence change replaces leucine, which is neutral and non-polar, with arginine, which is basic and polar, at codon 186 of the RGS9BP protein (p.Leu186Arg). This variant is present in population databases (rs765931342, gnomAD 0.004%). This variant has not been reported in the literature in individuals affected with RGS9BP-related conditions. ClinVar contains an entry for this variant (Variation ID: 1475414). An algorithm developed to predict the effect of missense changes on protein structure and function (PolyPhen-2) suggests that this variant is likely to be disruptive. In summary, the available evidence is currently insufficient to determine the role of this variant in disease. Therefore, it has been classified as a Variant of Uncertain Significance.